The following is an entry in ClinVar:

NM_032242.4(PLXNA1):c.5629C>T (p.Arg1877Trp)

Gene: PLXNA1 (plexin A1; plus strand). Cytogenetic location: 3q21.3.
Variant type: single nucleotide variant.
Coding change: c.5629C>T on transcript NM_032242.4 (MANE Select); coding-DNA position 5629, C replaced by T.
Protein change: p.Arg1877Trp; replaces arginine 1877 with tryptophan.
Molecular consequence: missense variant.
Genome position (GRCh38, 1-based): chr3:127,033,955, C>T. VCF-style: chr3-127033955-C-T. GRCh37 (hg19) VCF-style: chr3-126752798-C-T.
Other names: c.5629C>T (NM_032242.3); short protein forms R1877W.
Identifiers: ClinVar variation 2654104 (VCV002654104.25), dbSNP rs769365696, ClinGen allele CA83341561.
Genomic context (GRCh38, chr3:127,033,955, plus strand): 5'-ATGCTGACAGTTCTCCTGGCCCTGCAGATCCTGGCAGCCCTGGAGAAGGATGAGCAGGCG[C>T]GGCGGCAGCGGCTGCGGAGCAAGCTGGAGCAGGTGGTGGACACGATGGCCCTGAGCAGCT-3'
Protein context (NP_115618.3, residues 1867-1887): LAALEKDEQA[Arg1877Trp]RQRLRSKLEQ

ClinVar aggregate classification (germline): Uncertain significance. Review status: criteria provided, multiple submitters, no conflicts (2 of 4 stars). 2 submissions from 2 submitters: Uncertain significance (2). Last evaluated 2025-10-24.

Conditions:
PLXNA1-related disorder. Also called: PLXNA1-related condition.

Allele frequency attached by ClinVar (database versions not stated): gnomAD 0.00001; gnomAD exomes 0.00002.
gnomAD v4.1: 37 of 1,605,454 alleles (0.0023%); highest among the groups gnomAD compares: African/African-American, 0.0027%; no homozygotes.

Submissions (2):

PreventionGenetics, part of Exact Sciences
Classification: Uncertain significance for PLXNA1-related condition. Last evaluated: 2025-10-24. Review status: criteria provided, single submitter. Criteria: ACMG Guidelines, 2015. Collection method: clinical testing. Allele origin: germline.
Comment: The PLXNA1 c.5629C>T variant is predicted to result in the amino acid substitution p.Arg1877Trp. To our knowledge, this variant has not been reported in the literature. This variant is reported in 0.0035% of alleles in individuals of South Asian descent in gnomAD. At this time, the clinical significance of this variant is uncertain due to the absence of conclusive functional and genetic evidence.

CeGaT Center for Human Genetics Tuebingen
Classification: Uncertain significance. Last evaluated: 2022-08-01. Review status: criteria provided, single submitter. Criteria: CeGaT Center For Human Genetics Tuebingen Variant Classification Criteria Version 2. Collection method: clinical testing. Allele origin: germline. Affected: yes. Observed: 1 variant allele.